The following is an entry in ClinVar:

NM_001025603.2(RFX5):c.1588C>G (p.Leu530Val)

Gene: RFX5 (regulatory factor X5; minus strand). Cytogenetic location: 1q21.3.
Variant type: single nucleotide variant.
Coding change: c.1588C>G on transcript NM_001025603.2 (MANE Select); coding-DNA position 1588, C replaced by G.
Protein change: p.Leu530Val; replaces leucine 530 with valine.
Molecular consequence: missense variant.
Genome position (GRCh38, 1-based): chr1:151,342,449, G>C on the plus strand (C>G on the coding strand, the complement: RFX5 is on the minus strand). VCF-style: chr1-151342449-G-C. GRCh37 (hg19) VCF-style: chr1-151314925-G-C.
Other names: c.1588C>G, p.Leu530Val (NM_000449.4, NM_001379412.1, NM_001379413.1 and 5 more transcripts); c.1468C>G, p.Leu490Val (NM_001379419.1, NM_001379420.1); short protein forms L490V, L530V.
Identifiers: ClinVar variation 942413 (VCV000942413.9), dbSNP rs774380605, ClinGen allele CA1089571.

ClinVar aggregate classification (germline): Uncertain significance (1 of 4 stars; one submission).

Conditions:
MHC class II deficiency. Also called: Bare lymphocyte syndrome 2; BLS, TYPE II. Identifiers: Orphanet 572, MedGen C5447452, MONDO:0008855.

Allele frequency attached by ClinVar (database versions not stated): gnomAD exomes below 0.00001; ExAC 0.00001; gnomAD 0.00001.

Submission:

Labcorp Genetics (formerly Invitae), Labcorp
Classification: Uncertain significance for MHC class II deficiency. Last evaluated: 2019-09-11. Review status: criteria provided, single submitter. Criteria: Invitae Variant Classification Sherloc (09022015). Collection method: clinical testing. Allele origin: germline.
Comment: In summary, the available evidence is currently insufficient to determine the role of this variant in disease. Therefore, it has been classified as a Variant of Uncertain Significance. Algorithms developed to predict the effect of missense changes on protein structure and function (SIFT, PolyPhen-2, Align-GVGD) all suggest that this variant is likely to be tolerated, but these predictions have not been confirmed by published functional studies and their clinical significance is uncertain. This variant has not been reported in the literature in individuals with RFX5-related conditions. This variant is present in population databases (rs774380605, ExAC 0.001%). This sequence change replaces leucine with valine at codon 530 of the RFX5 protein (p.Leu530Val). The leucine residue is moderately conserved and there is a small physicochemical difference between leucine and valine.